The following is an entry in ClinVar:

ClinVar aggregate classification (germline): Uncertain significance (1 of 4 stars; one submission).

Conditions:
Aortic aneurysm, familial thoracic 4 (AAT4). Also called: AORTIC ANEURYSM/AORTIC DISSECTION AND PATENT DUCTUS ARTERIOSUS. Identifiers: MedGen C1851504, MONDO:0007568, OMIM 132900.

gnomAD v4.1: 4 of 1,613,994 alleles (0.00025%); highest among the groups gnomAD compares: Non-Finnish European, 0.00034%; no homozygotes.

Submission:

Labcorp Genetics (formerly Invitae), Labcorp
Classification: Uncertain significance for Aortic aneurysm, familial thoracic 4. Last evaluated: 2025-04-24. Review status: criteria provided, single submitter. Criteria: Invitae Variant Classification Sherloc (09022015). Collection method: clinical testing. Allele origin: germline.
Comment: This sequence change replaces glutamic acid, which is acidic and polar, with lysine, which is basic and polar, at codon 1538 of the MYH11 protein (p.Glu1538Lys). This variant is not present in population databases (gnomAD no frequency). This variant has not been reported in the literature in individuals affected with MYH11-related conditions. Invitae Evidence Modeling of protein sequence and biophysical properties (such as structural, functional, and spatial information, amino acid conservation, physicochemical variation, residue mobility, and thermodynamic stability) indicates that this missense variant is not expected to disrupt MYH11 protein function with a negative predictive value of 80%. In summary, the available evidence is currently insufficient to determine the role of this variant in disease. Therefore, it has been classified as a Variant of Uncertain Significance.

NM_002474.3(MYH11):c.4591G>A (p.Glu1531Lys)

Genes: NDE1 (nudE neurodevelopment protein 1; plus strand), MYH11 (myosin heavy chain 11; minus strand). Cytogenetic location: 16p13.11.
Variant type: single nucleotide variant.
Coding change: c.4591G>A on transcript NM_002474.3 (MANE Select); coding-DNA position 4591, G replaced by A.
Protein change: p.Glu1531Lys; replaces glutamic acid 1531 with lysine.
Molecular consequence: missense variant. On other transcripts: intron variant (2).
Genome position (GRCh38, 1-based): chr16:15,721,039, C>T on the plus strand (G>A on the coding strand, the complement: MYH11 is on the minus strand). VCF-style: chr16-15721039-C-T. GRCh37 (hg19) VCF-style: chr16-15814896-C-T.
Other names: c.4612G>A, p.Glu1538Lys (NM_001040113.2, NM_001040114.2); c.4591G>A, p.Glu1531Lys (NM_022844.3); c.948-3152C>T (NM_001143979.2, NM_017668.3); short protein forms E1531K, E1538K.
Identifiers: ClinVar variation 4745870 (VCV004745870.1).
Genomic context (GRCh38, chr16:15,721,039, plus strand): 5'-GCTCTTCCAGCTGCGTCTTCATCTCCTCCATCTGGGTCTCCAGGGCCCGCTTGGACTTCT[C>T]CAGCTCATGGACCTGCCGGCAGAGCGGGCAGCCCCATTCTATGAGGCTCAACTTCATGAA-3'
Protein context (NP_002465.1, residues 1521-1541): DDVGKNVHEL[Glu1531Lys]KSKRALETQM